The following is an entry in ClinVar:

NM_000419.5(ITGA2B):c.599C>T (p.Ala200Val)

Gene: ITGA2B (integrin subunit alpha 2b; minus strand). Cytogenetic location: 17q21.31.
Variant type: single nucleotide variant.
Coding change: c.599C>T on transcript NM_000419.5 (MANE Select); coding-DNA position 599, C replaced by T.
Protein change: p.Ala200Val; replaces alanine 200 with valine.
Molecular consequence: missense variant.
Genome position (GRCh38, 1-based): chr17:44,385,311, G>A on the plus strand (C>T on the coding strand, the complement: ITGA2B is on the minus strand). VCF-style: chr17-44385311-G-A. GRCh37 (hg19) VCF-style: chr17-42462679-G-A.
Other names: short protein forms A200V.
Identifiers: ClinVar variation 2178064 (VCV002178064.4), dbSNP rs1293256929, ClinGen allele CA399805615.

ClinVar aggregate classification (germline): Uncertain significance (1 of 4 stars; one submission).

Conditions:
Glanzmann thrombasthenia. Also called: BLEEDING DISORDER, PLATELET-TYPE, 2; THROMBASTHENIA OF GLANZMANN AND NAEGELI; Thrombasthenia; PLATELET GLYCOPROTEIN IIb-IIIa DEFICIENCY; Glanzmann's thrombasthenia. Identifiers: Orphanet 849, MedGen C0040015, MONDO:0100326.

Allele frequency attached by ClinVar (database versions not stated): gnomAD exomes 0.00001; TOPMed 0.00002.
gnomAD v4.1: 18 of 1,612,328 alleles (0.0011%); highest among the groups gnomAD compares: Non-Finnish European, 0.0014%; no homozygotes.

Submission:

Labcorp Genetics (formerly Invitae), Labcorp
Classification: Uncertain significance for Glanzmann thrombasthenia. Last evaluated: 2025-04-17. Review status: criteria provided, single submitter. Criteria: Invitae Variant Classification Sherloc (09022015). Collection method: clinical testing. Allele origin: germline.
Comment: This sequence change replaces alanine, which is neutral and non-polar, with valine, which is neutral and non-polar, at codon 200 of the ITGA2B protein (p.Ala200Val). The frequency data for this variant in the population databases is considered unreliable, as metrics indicate poor data quality at this position in the gnomAD database. This variant has not been reported in the literature in individuals affected with ITGA2B-related conditions. ClinVar contains an entry for this variant (Variation ID: 2178064). An algorithm developed to predict the effect of missense changes on protein structure and function outputs the following: PolyPhen-2: "Benign". The valine amino acid residue is found in multiple mammalian species, which suggests that this missense change does not adversely affect protein function. In summary, the available evidence is currently insufficient to determine the role of this variant in disease. Therefore, it has been classified as a Variant of Uncertain Significance.